The following is an entry in ClinVar:

ClinVar aggregate classification (germline): Likely benign. Review status: reviewed by expert panel (3 of 4 stars). 3 submissions from 3 submitters: Likely benign (1). 2 of the submissions do not count toward it. Last evaluated 2026-05-26.

Conditions:
ABCA4-related retinopathy. Also called: ABCA4 retinoapthy; ABCA4-related retinoapthy. Identifiers: MedGen CN322612, MONDO:0800406.

Allele frequency attached by ClinVar (database versions not stated): gnomAD 0.00001 and 0.00003; gnomAD exomes 0.00003 and 0.00004; TOPMed 0.00003; ExAC 0.00004.
gnomAD v4.1: 46 of 1,614,064 alleles (0.0028%); highest among the groups gnomAD compares: South Asian, 0.0044%; no homozygotes.

Submissions (3):

ClinGen ABCA4 Variant Curation Expert Panel, Clingen
Classification: Likely benign for ABCA4-related retinopathy. Last evaluated: 2026-05-26. Review status: reviewed by expert panel. Criteria: ClinGen ABCA4 ACMG Specifications V1.0.0. Collection method: curation. Allele origin: germline. Inheritance: Autosomal recessive inheritance.
Comment: The NM_000350.3(ABCA4):c.3204A>G; p.Arg1068= is a synonymous variant. The total minor allele frequency in gnomAD v4.1.0 is 0.00002850 (46/1614064 alleles), which is lower than the ClinGen ABCA4 VCEP’s threshold for PM2_Supporting (<0.0001). The computational splicing predictor SpliceAI gives this synonymous variant a delta score of 0.00 for all types which is below the ClinGen ABCA4 VCEP BP7 threshold of <0.1 and does not strongly predict a splicing defect meeting BP7_Moderate. In summary, this variant meets the criteria to be classified as likely benign for ABCA4-related retinopathy based on the ACMG/AMP criteria applied, as specified by the ClinGen ABCA4 VCEP (Specification Version 1.0.0): PM2_Supporting, BP7_Moderate.

Labcorp Genetics (formerly Invitae), Labcorp
Classification: Likely benign. Last evaluated: 2025-09-24. Review status: criteria provided, single submitter. Criteria: Invitae Variant Classification Sherloc (09022015). Collection method: clinical testing. Allele origin: germline. Not counted in ClinVar's aggregate classification.

Blueprint Genetics
Classification: Likely benign. Last evaluated: 2024-09-14. Review status: criteria provided, single submitter. Criteria: ACMG Guidelines, 2015. Collection method: clinical testing. Allele origin: germline. Not counted in ClinVar's aggregate classification.

NM_000350.3(ABCA4):c.3204A>G (p.Arg1068=)

Gene: ABCA4 (ATP binding cassette subfamily A member 4; minus strand). Cytogenetic location: 1p22.1.
Variant type: single nucleotide variant.
Coding change: c.3204A>G on transcript NM_000350.3 (MANE Select); coding-DNA position 3204, A replaced by G.
Protein change: p.Arg1068=; no amino-acid change (arginine 1068 retained).
Molecular consequence: synonymous variant.
Genome position (GRCh38, 1-based): chr1:94,042,885, T>C on the plus strand (A>G on the coding strand, the complement: ABCA4 is on the minus strand). VCF-style: chr1-94042885-T-C. GRCh37 (hg19) VCF-style: chr1-94508441-T-C.
Other names: NM_000350.3(ABCA4):c.3204A>G; p.Arg1068=; c.2982A>G, p.Arg994= (NM_001425324.1).
Identifiers: ClinVar variation 1643127 (VCV001643127.10), dbSNP rs749704079, ClinGen allele CA958010.
Genomic context (GRCh38, chr1:94,042,885, plus strand): 5'-GGGTTCGTCCAGAATCACCACCTTGGCATCTCCCACAAAGGCAATGGCAACCGACAGCTT[T>C]CTCTGCATGCCACCTGGAGGCACAAGAAGGACGGGAGAGTTAAGGGGCTGTGGAGGGTGA-3'
Protein context (NP_000341.2, residues 1058-1078): EAQDLSGGMQ[Arg1068=]KLSVAIAFVG